The following is an entry in ClinVar:

NM_012388.4(BLOC1S6):c.231C>G (p.Asn77Lys)

Gene: BLOC1S6 (biogenesis of lysosomal organelles complex 1 subunit 6; plus strand). Cytogenetic location: 15q21.1.
Variant type: single nucleotide variant.
Coding change: c.231C>G on transcript NM_012388.4 (MANE Select); coding-DNA position 231, C replaced by G.
Protein change: p.Asn77Lys; replaces asparagine 77 with lysine.
Molecular consequence: missense variant. On other transcripts: non-coding transcript variant (6), intron variant (1).
Genome position (GRCh38, 1-based): chr15:45,603,106, C>G. VCF-style: chr15-45603106-C-G. GRCh37 (hg19) VCF-style: chr15-45895304-C-G.
Other names: c.246C>G, p.Asn82Lys (NM_001311255.1); c.240-2322C>G (NM_001311256.1); short protein forms N77K, N82K.
Identifiers: ClinVar variation 3629729 (VCV003629729.1).
Genomic context (GRCh38, chr15:45,603,106, plus strand): 5'-GGACCGGCACTTTAAATATGTAGAGTTTGTCTTGGCTGTGTGTTTTTGTTTCAGACAGAA[C>G]CAAGTTGTATTGTTAGACACACTGGAACAAGAGATTTCAAAATTTAAAGAATGTCATTCT-3'
Protein context (NP_036520.1, residues 67-87): SKQALQELTQ[Asn77Lys]QVVLLDTLEQ

ClinVar aggregate classification (germline): Uncertain significance (1 of 4 stars; one submission).

Submission:

Women's Health and Genetics/Laboratory Corporation of America, LabCorp
Classification: Uncertain significance. Last evaluated: 2024-11-11. Review status: criteria provided, single submitter. Criteria: LabCorp Variant Classification Summary - May 2015. Collection method: clinical testing. Allele origin: germline.
Comment: Variant summary: BLOC1S6 c.231C>G (p.Asn77Lys) results in a non-conservative amino acid change in the encoded protein sequence. Three of five in-silico tools predict a damaging effect of the variant on protein function. The variant was absent in 250406 control chromosomes. The available data on variant occurrences in the general population are insufficient to allow any conclusion about variant significance. To our knowledge, no occurrence of c.231C>G in individuals affected with Hermansky-Pudlak Syndrome and no experimental evidence demonstrating its impact on protein function have been reported. No submitters have cited clinical-significance assessments for this variant to ClinVar. Based on the evidence outlined above, the variant was classified as uncertain significance.